The following is an entry in ClinVar:

NM_023037.3(FRY):c.7872C>T (p.Ser2624=)

Gene: FRY (FRY microtubule binding protein; plus strand). Cytogenetic location: 13q13.1.
Variant type: single nucleotide variant.
Coding change: c.7872C>T on transcript NM_023037.3 (MANE Select); coding-DNA position 7872, C replaced by T.
Protein change: p.Ser2624=; no amino-acid change (serine 2624 retained).
Molecular consequence: synonymous variant.
Genome position (GRCh38, 1-based): chr13:32,265,542, C>T. VCF-style: chr13-32265542-C-T. GRCh37 (hg19) VCF-style: chr13-32839679-C-T.
Other names: c.7881C>T, p.Ser2627= (NM_001411012.1).
Identifiers: ClinVar variation 2643730 (VCV002643730.25), dbSNP rs74044966, ClinGen allele CA6939836.

ClinVar aggregate classification (germline): Likely benign. Review status: criteria provided, multiple submitters, no conflicts (2 of 4 stars). 2 submissions from 2 submitters: Likely benign (2). Last evaluated 2024-10-08.

Allele frequency attached by ClinVar (database versions not stated): gnomAD exomes 0.00025; ExAC 0.00096; ESP Exome Variant Server 0.00188; gnomAD 0.00275; TOPMed 0.00298; 1000 Genomes Project 0.00319; 1000 Genomes Project 30x 0.00375.
gnomAD v4.1: 815 of 1,614,122 alleles (0.05%); highest among the groups gnomAD compares: African/African-American, 0.92%; 3 homozygotes.

Submissions (2):

Blueprint Genetics
Classification: Likely benign. Last evaluated: 2024-10-08. Review status: criteria provided, single submitter. Criteria: ACMG Guidelines, 2015. Collection method: clinical testing. Allele origin: germline.

CeGaT Center for Human Genetics Tuebingen
Classification: Likely benign. Last evaluated: 2022-06-01. Review status: criteria provided, single submitter. Criteria: CeGaT Center For Human Genetics Tuebingen Variant Classification Criteria Version 2. Collection method: clinical testing. Allele origin: germline. Affected: yes. Observed: 1 variant allele.
Comment: FRY: BP4, BP7